The following is an entry in ClinVar:

NM_000093.5(COL5A1):c.554AGA[1] (p.Lys186del)

Gene: COL5A1 (collagen type V alpha 1 chain; plus strand). Cytogenetic location: 9q34.3.
Variant type: Microsatellite.
Coding change: c.554AGA[1] on transcript NM_000093.5 (MANE Select); one copy of the 3-base unit AGA starting at c.554; the reference has two copies in a row; one copy, 3 bases deleted.
Protein change: p.Lys186del; deletes lysine 186.
Molecular consequence: inframe deletion.
Genome position (GRCh38, 1-based): chr9:134,701,236-134,701,238, AGA deleted; deleting any 3 consecutive bases within chr9:134,701,232-134,701,238 gives the same sequence; the position shown is the placement nearest the transcript's 3' end. VCF-style (leftmost placement, unchanged base first): chr9-134701231-AAAG-A. GRCh37 (hg19) VCF-style: chr9-137593077-AAAG-A.
Other names: c.554AGA[1], p.Lys186del (NM_001278074.1); short protein forms K186del.
Identifiers: ClinVar variation 4691332 (VCV004691332.1).

ClinVar aggregate classification (germline): Uncertain significance (1 of 4 stars; one submission).

Conditions:
Ehlers-Danlos syndrome, classic type, 1 (EDSCL1). Also called: EHLERS-DANLOS SYNDROME, GRAVIS TYPE; EHLERS-DANLOS SYNDROME, SEVERE CLASSIC TYPE; Ehlers-Danlos syndrome, type 1; Ehlers-Danlos Syndrome, Classic Type, COL5A1-Related; EDS I. Identifiers: MedGen C0268335, MONDO:0019567, OMIM 130000.

Submission:

Labcorp Genetics (formerly Invitae), Labcorp
Classification: Uncertain significance for Ehlers-Danlos syndrome, classic type, 1. Last evaluated: 2025-07-22. Review status: criteria provided, single submitter. Criteria: Invitae Variant Classification Sherloc (09022015). Collection method: clinical testing. Allele origin: germline.
Comment: This variant, c.557_559del, results in the deletion of 1 amino acid(s) of the COL5A1 protein (p.Lys186del), but otherwise preserves the integrity of the reading frame. This variant is present in population databases (no rsID available, gnomAD no frequency). This variant has not been reported in the literature in individuals affected with COL5A1-related conditions. Experimental studies and prediction algorithms are not available or were not evaluated, and the functional significance of this variant is currently unknown. In summary, the available evidence is currently insufficient to determine the role of this variant in disease. Therefore, it has been classified as a Variant of Uncertain Significance.